The following is an entry in ClinVar:

ClinVar aggregate classification (germline): Conflicting classifications of pathogenicity. Review status: criteria provided, conflicting classifications (1 of 4 stars). 3 submissions from 3 submitters: Uncertain significance (2); Likely benign (1). Last evaluated 2025-12-23.

Conditions:
Inborn genetic diseases. Identifiers: MedGen C0950123, MeSH D030342.

gnomAD v4.1: 3 of 1,614,084 alleles (0.00019%); highest among the groups gnomAD compares: Non-Finnish European, 0.00017%; no homozygotes.

Submissions (3):

Labcorp Genetics (formerly Invitae), Labcorp
Classification: Uncertain significance. Last evaluated: 2025-12-23. Review status: criteria provided, single submitter. Criteria: Invitae Variant Classification Sherloc (09022015). Collection method: clinical testing. Allele origin: germline.
Comment: This sequence change replaces histidine, which is basic and polar, with tyrosine, which is neutral and polar, at codon 549 of the TOPORS protein (p.His549Tyr). This variant is present in population databases (no rsID available, gnomAD 0.0009%). This variant has not been reported in the literature in individuals affected with TOPORS-related conditions. ClinVar contains an entry for this variant (Variation ID: 3910735). An algorithm developed to predict the effect of missense changes on protein structure and function (PolyPhen-2) suggests that this variant is likely to be disruptive. In summary, the available evidence is currently insufficient to determine the role of this variant in disease. Therefore, it has been classified as a Variant of Uncertain Significance.

Ambry Genetics
Classification: Uncertain significance for Inborn genetic diseases. Last evaluated: 2025-03-31. Review status: criteria provided, single submitter. Criteria: Ambry Variant Classification Scheme 2023. Collection method: clinical testing. Allele origin: germline.

Laboratory of Genetics, Children's Clinical University Hospital Latvia
Classification: Likely benign. Last evaluated: 2025-02-16. Review status: criteria provided, single submitter. Criteria: ACMG Guidelines, 2015. Collection method: clinical testing. Allele origin: germline. Affected: yes.

NM_005802.5(TOPORS):c.1645C>T (p.His549Tyr)

Gene: TOPORS (TOP1 binding arginine/serine rich protein, E3 ubiquitin ligase; minus strand). Cytogenetic location: 9p21.1.
Variant type: single nucleotide variant.
Coding change: c.1645C>T on transcript NM_005802.5 (MANE Select); coding-DNA position 1645, C replaced by T.
Protein change: p.His549Tyr; replaces histidine 549 with tyrosine.
Molecular consequence: missense variant.
Genome position (GRCh38, 1-based): chr9:32,542,880, G>A on the plus strand (C>T on the coding strand, the complement: TOPORS is on the minus strand). VCF-style: chr9-32542880-G-A. GRCh37 (hg19) VCF-style: chr9-32542878-G-A.
Other names: c.1450C>T, p.His484Tyr (NM_001195622.2); c.1645C>T (NM_005802.4); short protein forms H484Y, H549Y.
Identifiers: ClinVar variation 3910735 (VCV003910735.3).